The following is an entry in ClinVar:

NM_207122.2(EXT2):c.1422T>G (p.Thr474=)

Genes: EXT2 (exostosin glycosyltransferase 2; plus strand), LOC126861201 (MED14-independent group 3 enhancer GRCh37_chr11:44218806-44220005; plus strand). Cytogenetic location: 11p11.2.
Variant type: single nucleotide variant.
Coding change: c.1422T>G on transcript NM_207122.2 (MANE Select); coding-DNA position 1422, T replaced by G.
Protein change: p.Thr474=; no amino-acid change (threonine 474 retained).
Molecular consequence: synonymous variant.
Genome position (GRCh38, 1-based): chr11:44,197,945, T>G. VCF-style: chr11-44197945-T-G. GRCh37 (hg19) VCF-style: chr11-44219495-T-G.
Other names: c.1521T>G, p.Thr507= (NM_000401.3); c.1452T>G, p.Thr484= (NM_001178083.3); c.1422T>G, p.Thr474= (NM_001389628.1, NM_001389630.1).
Identifiers: ClinVar variation 3029477 (VCV003029477.2), dbSNP rs2539716968, ClinGen allele CA473824382.

ClinVar aggregate classification (germline): Likely benign (0 of 4 stars; one submission).

Conditions:
EXT2-related disorder. Also called: EXT2-related condition.

Submission:

PreventionGenetics, part of Exact Sciences
Classification: Likely benign for EXT2-related condition. Last evaluated: 2021-12-30. Review status: no assertion criteria provided. Collection method: clinical testing. Allele origin: germline.
Comment: This variant is classified as likely benign based on ACMG/AMP sequence variant interpretation guidelines (Richards et al. 2015 PMID: 25741868, with internal and published modifications).